The following is an entry in ClinVar:

ClinVar aggregate classification (germline): Likely pathogenic (1 of 4 stars; one submission).

Conditions:
Marfan syndrome (MFS). Also called: MARFAN SYNDROME, TYPE I; Marfan syndrome type 1; Marfan's syndrome; FBN1-Related Marfan Syndrome; Marfan syndrome, classic. Identifiers: Orphanet 284963, Orphanet 558, MedGen C0024796, MONDO:0007947, OMIM 154700.

Submission:

Centro de Genética y Biología Molecular, Universidad de San Martín de Porres
Classification: Likely pathogenic for Marfan syndrome. Last evaluated: 2025-01-20. Review status: criteria provided, single submitter. Criteria: ACMG Guidelines, 2015. Collection method: research. Allele origin: germline. Inheritance: Autosomal dominant inheritance. Affected: yes. Observed: 1 heterozygote.
Comment: This variant consists of an in frame deletion on a portion of the FBN1 protein that has a high degree of conservation and where a change can be highly deleterious. Predictors show a PVS1 effect on the FBN1 protein (Pathogenic very strong) and a PM2 for the extremely low frequency in gnomAD population database

NM_000138.5(FBN1):c.7398_7400del (p.Tyr2466_Gln2467delinsTer)

Gene: FBN1 (fibrillin 1; minus strand). Cytogenetic location: 15q21.1.
Variant type: Deletion.
Coding change: c.7398_7400del on transcript NM_000138.5 (MANE Select); coding-DNA positions 7398 to 7400, 3 bases deleted (CCA; older notation c.7398_7400delCCA).
Protein change: p.Tyr2466_Gln2467delinsTer.
Molecular consequence: nonsense.
Genome position (GRCh38, 1-based): chr15:48,425,422-48,425,424, TGG deleted on the plus strand (CCA on the coding strand, the reverse complement: FBN1 is on the minus strand); deleting any 3 consecutive bases within chr15:48,425,422-48,425,425 gives the same sequence; the c. name uses the placement nearest the transcript's 3' end. VCF-style (leftmost placement, unchanged base first): chr15-48425421-CTGG-C. GRCh37 (hg19) VCF-style: chr15-48717618-CTGG-C.
Other names: c.7398_7400del, p.Tyr2466_Gln2467delinsTer (NM_001406716.1).
Identifiers: ClinVar variation 4075373 (VCV004075373.1).